The following is an entry in ClinVar:

ClinVar aggregate classification (germline): Uncertain significance (1 of 4 stars; one submission).

Submission:

GeneDx
Classification: Uncertain significance. Last evaluated: 2025-06-06. Review status: criteria provided, single submitter. Criteria: GeneDx Variant Classification Process June 2021. Collection method: clinical testing. Allele origin: germline. Affected: yes.
Comment: Not observed at significant frequency in large population cohorts (gnomAD); In silico analysis supports that this missense variant has a deleterious effect on protein structure/function; Has not been previously published as pathogenic or benign to our knowledge

NM_001077350.3(NPRL3):c.575A>G (p.His192Arg)

Genes: HBA-LCR (alpha-globin locus control region; plus strand), NPRL3 (NPR3 like, GATOR1 complex subunit; minus strand). Cytogenetic location: 16p13.3.
Variant type: single nucleotide variant.
Coding change: c.575A>G on transcript NM_001077350.3 (MANE Select); coding-DNA position 575, A replaced by G.
Protein change: p.His192Arg; replaces histidine 192 with arginine.
Molecular consequence: missense variant.
Genome position (GRCh38, 1-based): chr16:110,579, T>C on the plus strand (A>G on the coding strand, the complement: NPRL3 is on the minus strand). VCF-style: chr16-110579-T-C. GRCh37 (hg19) VCF-style: chr16-160577-T-C.
Other names: c.38A>G, p.His13Arg (NM_001039476.3); c.341A>G, p.His114Arg (NM_001243247.2); c.500A>G, p.His167Arg (NM_001243248.2, NM_001243249.2); short protein forms H114R, H13R, H167R, H192R.
Identifiers: ClinVar variation 4537981 (VCV004537981.1).